The following is an entry in ClinVar:

ClinVar aggregate classification (germline): Uncertain significance (1 of 4 stars; one submission).

Conditions:
Developmental and epileptic encephalopathy, 14 (DEE14). Also called: Early infantile epileptic encephalopathy 14. Identifiers: Orphanet 293181, MedGen C3554195, MONDO:0013989, OMIM 614959.
Autosomal dominant nocturnal frontal lobe epilepsy 5. Also called: KCNT1-Related Epilepsy; Epilepsy, nocturnal frontal lobe, 5; CILIARY DYSKINESIA, PRIMARY, 28, WITHOUT SITUS INVERSUS; CILIARY DYSKINESIA, PRIMARY, 28, WITH SITUS INVERSUS. Identifiers: Orphanet 98784, MedGen C3554306, MONDO:0014002, OMIM 615005.

gnomAD v4.1: 10 of 1,610,806 alleles (0.00062%); highest among the groups gnomAD compares: Non-Finnish European, 0.00085%; no homozygotes.

Submission:

Labcorp Genetics (formerly Invitae), Labcorp
Classification: Uncertain significance for Autosomal dominant nocturnal frontal lobe epilepsy 5; Developmental and epileptic encephalopathy, 14. Last evaluated: 2022-10-09. Review status: criteria provided, single submitter. Criteria: Invitae Variant Classification Sherloc (09022015). Collection method: clinical testing. Allele origin: germline.
Comment: In summary, the available evidence is currently insufficient to determine the role of this variant in disease. Therefore, it has been classified as a Variant of Uncertain Significance. Advanced modeling of protein sequence and biophysical properties (such as structural, functional, and spatial information, amino acid conservation, physicochemical variation, residue mobility, and thermodynamic stability) performed at Invitae indicates that this missense variant is expected to disrupt KCNT1 protein function. This variant has not been reported in the literature in individuals affected with KCNT1-related conditions. This variant is not present in population databases (gnomAD no frequency). This sequence change replaces arginine, which is basic and polar, with glycine, which is neutral and non-polar, at codon 417 of the KCNT1 protein (p.Arg417Gly).

NM_020822.3(KCNT1):c.1249C>G (p.Arg417Gly)

Gene: KCNT1 (potassium sodium-activated channel subfamily T member 1; plus strand). Cytogenetic location: 9q34.3.
Variant type: single nucleotide variant.
Coding change: c.1249C>G on transcript NM_020822.3 (MANE Select); coding-DNA position 1249, C replaced by G.
Protein change: p.Arg417Gly; replaces arginine 417 with glycine.
Molecular consequence: missense variant.
Genome position (GRCh38, 1-based): chr9:135,765,672, C>G. VCF-style: chr9-135765672-C-G. GRCh37 (hg19) VCF-style: chr9-138657518-C-G.
Other names: c.1114C>G, p.Arg372Gly (NM_001272003.2); short protein forms R372G, R417G.
Identifiers: ClinVar variation 1721337 (VCV001721337.6), dbSNP rs781342838, ClinGen allele CA375501345.